The following is an entry in ClinVar:

NM_006080.3(SEMA3A):c.1623A>G (p.Ala541=)

Gene: SEMA3A (semaphorin 3A; minus strand). Cytogenetic location: 7q21.11.
Variant type: single nucleotide variant.
Coding change: c.1623A>G on transcript NM_006080.3 (MANE Select); coding-DNA position 1623, A replaced by G.
Protein change: p.Ala541=; no amino-acid change (alanine 541 retained).
Molecular consequence: synonymous variant.
Genome position (GRCh38, 1-based): chr7:83,981,350, T>C on the plus strand (A>G on the coding strand, the complement: SEMA3A is on the minus strand). VCF-style: chr7-83981350-T-C. GRCh37 (hg19) VCF-style: chr7-83610666-T-C.
Identifiers: ClinVar variation 2898068 (VCV002898068.4), dbSNP rs369709964, ClinGen allele CA4322666.

ClinVar aggregate classification (germline): Uncertain significance. Review status: criteria provided, single submitter (1 of 4 stars). 2 submissions from 2 submitters: Uncertain significance (1). 1 of the submissions does not count toward it. Last evaluated 2023-01-12.

Conditions:
SEMA3A-related disorder. Also called: SEMA3A-related condition.

Allele frequency attached by ClinVar (database versions not stated): TOPMed below 0.00001; ExAC 0.00002; ESP Exome Variant Server 0.00008.
gnomAD v4.1: 28 of 1,614,076 alleles (0.0017%); highest among the groups gnomAD compares: Admixed American, 0.005%; no homozygotes.

Submissions (2):

Labcorp Genetics (formerly Invitae), Labcorp
Classification: Uncertain significance. Last evaluated: 2023-01-12. Review status: criteria provided, single submitter. Criteria: Invitae Variant Classification Sherloc (09022015). Collection method: clinical testing. Allele origin: germline.
Comment: In summary, the available evidence is currently insufficient to determine the role of this variant in disease. Therefore, it has been classified as a Variant of Uncertain Significance. Algorithms developed to predict the effect of sequence changes on RNA splicing suggest that this variant may create or strengthen a splice site. This variant has not been reported in the literature in individuals affected with SEMA3A-related conditions. This variant is present in population databases (rs369709964, gnomAD 0.004%). This sequence change affects codon 541 of the SEMA3A mRNA. It is a 'silent' change, meaning that it does not change the encoded amino acid sequence of the SEMA3A protein.

PreventionGenetics, part of Exact Sciences
Classification: Likely benign for SEMA3A-related condition. Last evaluated: 2021-11-19. Review status: no assertion criteria provided. Collection method: clinical testing. Allele origin: germline. Not counted in ClinVar's aggregate classification.
Comment: This variant is classified as likely benign based on ACMG/AMP sequence variant interpretation guidelines (Richards et al. 2015 PMID: 25741868, with internal and published modifications).